The following is an entry in ClinVar:

NM_017785.5(SPDL1):c.1483G>A (p.Glu495Lys)

Gene: SPDL1 (spindle apparatus coiled-coil protein 1; plus strand). Cytogenetic location: 5q35.1.
Variant type: single nucleotide variant.
Coding change: c.1483G>A on transcript NM_017785.5 (MANE Select); coding-DNA position 1483, G replaced by A.
Protein change: p.Glu495Lys; replaces glutamic acid 495 with lysine.
Molecular consequence: missense variant.
Genome position (GRCh38, 1-based): chr5:169,601,438, G>A. VCF-style: chr5-169601438-G-A. GRCh37 (hg19) VCF-style: chr5-169028442-G-A.
Other names: c.1483G>A, p.Glu495Lys (NM_001329639.2, NM_001329640.2, NM_001329641.2); c.1270G>A, p.Glu424Lys (NM_001329642.2, NM_001329643.2); short protein forms E424K, E495K.
Identifiers: ClinVar variation 3234804 (VCV003234804.20), dbSNP rs2532246093, ClinGen allele CA362100991.

ClinVar aggregate classification (germline): Uncertain significance (1 of 4 stars; one submission).

Submission:

CeGaT Center for Human Genetics Tuebingen
Classification: Uncertain significance. Last evaluated: 2024-04-01. Review status: criteria provided, single submitter. Criteria: CeGaT Center For Human Genetics Tuebingen Variant Classification Criteria Version 2. Collection method: clinical testing. Allele origin: germline. Affected: yes. Observed: 1 variant allele.
Comment: SPDL1: PM2, BP4